The following is an entry in ClinVar:

ClinVar aggregate classification (germline): Uncertain significance. Review status: criteria provided, multiple submitters, no conflicts (2 of 4 stars). 2 submissions from 2 submitters: Uncertain significance (2). Last evaluated 2025-11-08.

Conditions:
Inborn genetic diseases. Identifiers: MedGen C0950123, MeSH D030342.

Allele frequency attached by ClinVar (database versions not stated): gnomAD exomes below 0.00001; TOPMed below 0.00001.
gnomAD v4.1: 2 of 1,612,818 alleles (0.00012%); highest among the groups gnomAD compares: Admixed American, 0.0017%; no homozygotes.

Submissions (2):

Ambry Genetics
Classification: Uncertain significance for Inborn genetic diseases. Last evaluated: 2025-11-08. Review status: criteria provided, single submitter. Criteria: Ambry Variant Classification Scheme 2023. Collection method: clinical testing. Allele origin: germline.

Labcorp Genetics (formerly Invitae), Labcorp
Classification: Uncertain significance. Last evaluated: 2022-03-07. Review status: criteria provided, single submitter. Criteria: Invitae Variant Classification Sherloc (09022015). Collection method: clinical testing. Allele origin: germline.
Comment: In summary, the available evidence is currently insufficient to determine the role of this variant in disease. Therefore, it has been classified as a Variant of Uncertain Significance. Algorithms developed to predict the effect of missense changes on protein structure and function output the following: SIFT: "Tolerated"; PolyPhen-2: "Benign"; Align-GVGD: "Class C0". The serine amino acid residue is found in multiple mammalian species, which suggests that this missense change does not adversely affect protein function. This variant has not been reported in the literature in individuals affected with DOCK6-related conditions. This variant is not present in population databases (gnomAD no frequency). This sequence change replaces alanine, which is neutral and non-polar, with serine, which is neutral and polar, at codon 853 of the DOCK6 protein (p.Ala853Ser).

NM_020812.4(DOCK6):c.2557G>T (p.Ala853Ser)

Gene: DOCK6 (dedicator of cytokinesis 6; minus strand). Cytogenetic location: 19p13.2.
Variant type: single nucleotide variant.
Coding change: c.2557G>T on transcript NM_020812.4 (MANE Select); coding-DNA position 2557, G replaced by T.
Protein change: p.Ala853Ser; replaces alanine 853 with serine.
Molecular consequence: missense variant.
Genome position (GRCh38, 1-based): chr19:11,233,364, C>A on the plus strand (G>T on the coding strand, the complement: DOCK6 is on the minus strand). VCF-style: chr19-11233364-C-A. GRCh37 (hg19) VCF-style: chr19-11344040-C-A.
Other names: c.2557G>T, p.Ala853Ser (NM_001367830.1); c.2557G>T (NM_020812.2); short protein forms A853S.
Identifiers: ClinVar variation 1916628 (VCV001916628.4), dbSNP rs1599250888, ClinGen allele CA404096298.